The following is an entry in ClinVar:

NM_004415.4(DSP):c.8191T>C (p.Tyr2731His)

Gene: DSP (desmoplakin; plus strand). Cytogenetic location: 6p24.3.
Variant type: single nucleotide variant.
Coding change: c.8191T>C on transcript NM_004415.4 (MANE Select); coding-DNA position 8191, T replaced by C.
Protein change: p.Tyr2731His; replaces tyrosine 2731 with histidine.
Molecular consequence: missense variant.
Genome position (GRCh38, 1-based): chr6:7,585,453, T>C. VCF-style: chr6-7585453-T-C. GRCh37 (hg19) VCF-style: chr6-7585686-T-C.
Other names: p.Y2731H:TAC>CAC; c.6394T>C, p.Tyr2132His (NM_001008844.3); c.6862T>C, p.Tyr2288His (NM_001319034.2); short protein forms Y2731H, Y2132H, Y2288H.
Identifiers: ClinVar variation 163289 (VCV000163289.31), dbSNP rs201397978, ClinGen allele CA007423.

ClinVar aggregate classification (germline): Conflicting classifications of pathogenicity. Review status: criteria provided, conflicting classifications (1 of 4 stars). 17 submissions from 15 submitters: Uncertain significance (1); Benign (7); Likely benign (5). 4 of the submissions do not count toward it. Last evaluated 2026-01-19.

Conditions:
Cardiovascular phenotype. Identifiers: MedGen CN230736.
Arrhythmogenic cardiomyopathy with wooly hair and keratoderma. Also called: Carvajal syndrome; PALMOPLANTAR KERATODERMA WITH LEFT VENTRICULAR CARDIOMYOPATHY AND WOOLLY HAIR; Dilated cardiomyopathy with woolly hair and keratoderma; Arrhythmogenic cardiomyopathy with woolly hair and keratoderma. Identifiers: Orphanet 65282, MedGen C1854063, MONDO:0011581, OMIM 605676.
Arrhythmogenic right ventricular dysplasia 8 (ARVD8). Also called: Arrhythmogenic Right Ventricular Dysplasia/Cardiomyopathy 8; ARRHYTHMOGENIC RIGHT VENTRICULAR DYSPLASIA, FAMILIAL, 8; ARRHYTHMOGENIC RIGHT VENTRICULAR CARDIOMYOPATHY 8. Identifiers: MedGen C1843896, MONDO:0011831, OMIM 607450.
Cardiomyopathy (CMYO). Also called: Cardiomyopathies. Identifiers: Orphanet 167848, MedGen C0878544, MONDO:0004994, HP:0001638. Inheritance: Various modes of inheritance.
Lethal acantholytic epidermolysis bullosa (EBLA). Identifiers: Orphanet 158687, MedGen C1864826, MONDO:0012323, OMIM 609638.
Woolly hair-skin fragility syndrome (WHSF). Identifiers: Orphanet 293165, MedGen C1843292, MONDO:0957307, OMIM 620415.

Allele frequency attached by ClinVar (database versions not stated): gnomAD 0.00001 and 0.00063; ESP Exome Variant Server 0.00008; TOPMed 0.00009; gnomAD exomes 0.00121 and 0.00252; ExAC 0.00280; 1000 Genomes Project 0.00499; 1000 Genomes Project 30x 0.00515.
gnomAD v4.1: 1,860 of 1,614,116 alleles (0.12%); highest among the groups gnomAD compares: South Asian, 2%; 38 homozygotes.

Submissions (17):

Labcorp Genetics (formerly Invitae), Labcorp
Classification: Benign for Arrhythmogenic cardiomyopathy with wooly hair and keratoderma; Arrhythmogenic right ventricular dysplasia 8. Last evaluated: 2026-01-19. Review status: criteria provided, single submitter. Criteria: Invitae Variant Classification Sherloc (09022015). Collection method: clinical testing. Allele origin: germline.

Mayo Clinic Laboratories, Mayo Clinic
Classification: Benign. Last evaluated: 2025-06-03. Review status: criteria provided, single submitter. Criteria: ACMG Guidelines, 2015. Collection method: clinical testing. Allele origin: germline. Observed: 1 variant allele.
Comment: BS1, BS2

Blueprint Genetics
Classification: Likely benign. Last evaluated: 2024-09-23. Review status: criteria provided, single submitter. Criteria: ACMG Guidelines, 2015. Collection method: clinical testing. Allele origin: germline.

CHEO Genetics Diagnostic Laboratory, Children's Hospital of Eastern Ontario
Classification: Benign for Cardiomyopathy. Last evaluated: 2019-06-10. Review status: criteria provided, single submitter. Criteria: ACMG Guidelines, 2015. Collection method: clinical testing. Allele origin: germline.

Color Diagnostics, LLC DBA Color Health
Classification: Benign for Cardiomyopathy. Last evaluated: 2018-10-01. Review status: criteria provided, single submitter. Criteria: ACMG Guidelines, 2015. Collection method: clinical testing. Allele origin: germline.

Ambry Genetics
Classification: Benign for Cardiovascular phenotype. Last evaluated: 2018-06-07. Review status: criteria provided, single submitter. Criteria: Ambry Variant Classification Scheme 2023. Collection method: clinical testing. Allele origin: germline.

Women's Health and Genetics/Laboratory Corporation of America, LabCorp
Classification: Benign. Last evaluated: 2017-07-10. Review status: criteria provided, single submitter. Criteria: LabCorp Variant Classification Summary - May 2015. Collection method: clinical testing. Allele origin: germline.
Comment: Variant summary: The DSP c.8191T>C (p.Tyr2731His) variant involves the alteration of a conserved nucleotide, resulting in a missense substitution in a plectin repeat domain (InterPro). 3/4 in silico tools predict a damaging outcome for this variant (SNPsandGO not captured due to low reliability index). This variant was found in the large control database ExAC and control cohorts from the literature in 341of 122076 control chromosomes (6 homozygotes) from all ethnicities, but was predominantly observed in the South Asian subpopulation at a frequency of 0.020288 (335/16512 chromosomes; 6 homozygotes). This frequency is about 2029 times the estimated maximal expected allele frequency of a pathogenic DSP variant (0.00001), strongly suggesting this is likely a benign polymorphism found primarily in the populations of South Asian origin. The variant has been reported in both controls and arrythmia patients in the literature (Lopes_J Med Genet_2013; Kapplinger_JACC_2011; Ng_Circ_2013), with authors describing the variant as a rare polymorphism and classifying as VUS or likely benign. Multiple clinical diagnostic laboratories/reputable databases have classified this variant as likely benign or benign after 2014. Taken together, this variant is classified as benign.

GeneDx
Classification: Benign. Last evaluated: 2017-06-20. Review status: criteria provided, single submitter. Criteria: GeneDx Variant Classification (06012015). Collection method: clinical testing. Allele origin: germline. Affected: yes.
Comment: This variant is considered likely benign or benign based on one or more of the following criteria: it is a conservative change, it occurs at a poorly conserved position in the protein, it is predicted to be benign by multiple in silico algorithms, and/or has population frequency not consistent with disease.

Illumina Laboratory Services, Illumina
Classification: Likely benign for Arrhythmogenic right ventricular dysplasia 8. Last evaluated: 2017-04-27. Review status: criteria provided, single submitter. Criteria: ICSL Variant Classification Criteria 13 December 2019. Collection method: clinical testing. Allele origin: germline.
Comment: This variant was observed as part of a predisposition screen in an ostensibly healthy population. A literature search was performed for the gene, cDNA change, and amino acid change (where applicable). No publications were found based on this search. Allele frequency data from public databases allowed determination this variant is unlikely to cause disease. Therefore, this variant is classified as likely benign.

Illumina Laboratory Services, Illumina
Classification: Likely benign for Arrhythmogenic cardiomyopathy with wooly hair and keratoderma. Last evaluated: 2017-04-27. Review status: criteria provided, single submitter. Criteria: ICSL Variant Classification Criteria 13 December 2019. Collection method: clinical testing. Allele origin: germline.
Comment: the same text as in the submission from Illumina Laboratory Services, Illumina above.

Illumina Laboratory Services, Illumina
Classification: Likely benign for Lethal acantholytic epidermolysis bullosa. Last evaluated: 2017-04-27. Review status: criteria provided, single submitter. Criteria: ICSL Variant Classification Criteria 13 December 2019. Collection method: clinical testing. Allele origin: germline.
Comment: the same text as in the submission from Illumina Laboratory Services, Illumina above.

Laboratory for Molecular Medicine, Mass General Brigham Personalized Medicine
Classification: Uncertain significance. Last evaluated: 2014-03-19. Review status: criteria provided, single submitter. Criteria: LMM Criteria. Collection method: clinical testing. Allele origin: germline. Observed: 5 variant alleles.
Comment: It has also been identified in 1/854 control chrom osomes (Kapplinger 2011) and in 1/4406 African American chromosomes by the NHLBI Exome Sequencing Project (dbSNP rs201397978) . Computational prediction tools and conservation analysis do not provide strong support for or against an impact to the protein. At this time, additional infor mation is needed to fully assess the clinical significance of the Tyr2731His var iant.

Biesecker Lab/Clinical Genomics Section, National Institutes of Health
Classification: Likely benign. Last evaluated: 2013-06-24. Review status: criteria provided, single submitter. Criteria: Ng et al. (Circ Cardiovasc Genet. 2013). Collection method: research. Allele origin: unknown. Observed: 1 variant allele. Study: ClinSeq.
Comment: The study set was not selected for affection status in relation to any cancer. Pathogenicity categories were based on literature curation. See Pubmed ID:23861362 for details.

Medical sequencing

Clinical Genetics DNA and cytogenetics Diagnostics Lab, Erasmus MC, Erasmus Medical Center
Classification: Benign. Review status: no assertion criteria provided. Collection method: clinical testing. Allele origin: germline. Affected: yes. Study: VKGL Data-share Consensus. Not counted in ClinVar's aggregate classification.

Clinical Genetics, Academic Medical Center
Classification: Benign. Review status: no assertion criteria provided. Collection method: clinical testing. Allele origin: germline. Affected: yes. Study: VKGL Data-share Consensus. Not counted in ClinVar's aggregate classification.

Genome Diagnostics Laboratory, University Medical Center Utrecht
Classification: Benign. Review status: no assertion criteria provided. Collection method: clinical testing. Allele origin: germline. Affected: yes. Study: VKGL Data-share Consensus. Not counted in ClinVar's aggregate classification.

Joint Genome Diagnostic Labs from Nijmegen and Maastricht, Radboudumc and MUMC+
Classification: Likely benign. Review status: no assertion criteria provided. Collection method: clinical testing. Allele origin: germline. Affected: yes. Study: VKGL Data-share Consensus. Not counted in ClinVar's aggregate classification.

Literature cited by the submitters: PubMed 23396983 (cited by 3 submitters); PubMed 23861362 (cited by Women's Health and Genetics/Laboratory Corporation of America, LabCorp); PubMed 25225338 (cited by Women's Health and Genetics/Laboratory Corporation of America, LabCorp); PubMed 21636032 (cited by Women's Health and Genetics/Laboratory Corporation of America, LabCorp and Laboratory for Molecular Medicine, Mass General Brigham Personalized Medicine).